The following is an entry in ClinVar:

NM_007325.5(GRIA3):c.2471T>C (p.Val824Ala)

Gene: GRIA3 (glutamate ionotropic receptor AMPA type subunit 3; plus strand). Cytogenetic location: Xq25.
Variant type: single nucleotide variant.
Coding change: c.2471T>C on transcript NM_007325.5 (MANE Select); coding-DNA position 2471, T replaced by C.
Protein change: p.Val824Ala; replaces valine 824 with alanine.
Molecular consequence: missense variant.
Genome position (GRCh38, 1-based): chrX:123,482,830, T>C. VCF-style: chrX-123482830-T-C. GRCh37 (hg19) VCF-style: chrX-122616681-T-C.
Other names: c.2471T>C, p.Val824Ala (NM_000828.5); short protein forms V824A.
Identifiers: ClinVar variation 2706355 (VCV002706355.3), dbSNP rs2521368082, ClinGen allele CA414255828.
Genomic context (GRCh38, chrX:123,482,830, plus strand): 5'-GATCTAATCACGTTGTTCATTTCTCTTAGGACAAGACCAGCGCTCTGAGCCTGAGCAATG[T>C]GGCAGGCGTTTTCTATATACTTGTCGGAGGTCTGGGGCTGGCCATGATGGTGGCTTTGAT-3'
Protein context (NP_015564.5, residues 814-834): DKTSALSLSN[Val824Ala]AGVFYILVGG

ClinVar aggregate classification (germline): Uncertain significance (1 of 4 stars; one submission).

Submission:

Labcorp Genetics (formerly Invitae), Labcorp
Classification: Uncertain significance. Last evaluated: 2024-01-08. Review status: criteria provided, single submitter. Criteria: Invitae Variant Classification Sherloc (09022015). Collection method: clinical testing. Allele origin: germline.
Comment: This sequence change replaces valine, which is neutral and non-polar, with alanine, which is neutral and non-polar, at codon 824 of the GRIA3 protein (p.Val824Ala). This variant is not present in population databases (gnomAD no frequency). This variant has not been reported in the literature in individuals affected with GRIA3-related conditions. Advanced modeling of protein sequence and biophysical properties (such as structural, functional, and spatial information, amino acid conservation, physicochemical variation, residue mobility, and thermodynamic stability) performed at Invitae indicates that this missense variant is expected to disrupt GRIA3 protein function with a positive predictive value of 80%. In summary, the available evidence is currently insufficient to determine the role of this variant in disease. Therefore, it has been classified as a Variant of Uncertain Significance.